The following is an entry in ClinVar:

NM_000051.4(ATM):c.3013A>G (p.Asn1005Asp)

Gene: ATM (ATM serine/threonine kinase; plus strand). Cytogenetic location: 11q22.3.
Variant type: single nucleotide variant.
Coding change: c.3013A>G on transcript NM_000051.4 (MANE Select); coding-DNA position 3013, A replaced by G.
Protein change: p.Asn1005Asp; replaces asparagine 1005 with aspartic acid.
Molecular consequence: missense variant.
Genome position (GRCh38, 1-based): chr11:108,271,342, A>G. VCF-style: chr11-108271342-A-G. GRCh37 (hg19) VCF-style: chr11-108142069-A-G.
Other names: c.3013A>G, p.Asn1005Asp (NM_001351834.2); short protein forms N1005D.
Identifiers: ClinVar variation 3717468 (VCV003717468.3).

ClinVar aggregate classification (germline): Uncertain significance. Review status: criteria provided, multiple submitters, no conflicts (2 of 4 stars). 2 submissions from 2 submitters: Uncertain significance (2). Last evaluated 2025-02-08.

Conditions:
Hereditary cancer-predisposing syndrome. Also called: Neoplastic Syndromes, Hereditary; Hereditary Cancer Syndrome; Hereditary neoplastic syndrome; Tumor predisposition. Identifiers: Orphanet 140162, MedGen C0027672, MeSH D009386, MONDO:0015356.
Ataxia-telangiectasia syndrome (AT). Also called: ATAXIA-TELANGIECTASIA, COMPLEMENTATION GROUP A; ATAXIA-TELANGIECTASIA, FRESNO VARIANT; Ataxia-telangiectasia; Ataxia-telangiectasia, complementation group E; Ataxia telangiectasia (A-T); LOUIS-BAR SYNDROME. Identifiers: Orphanet 100, MedGen C0004135, MONDO:0008840, OMIM 208900.

Submissions (2):

Ambry Genetics
Classification: Uncertain significance for Hereditary cancer-predisposing syndrome. Last evaluated: 2025-02-08. Review status: criteria provided, single submitter. Criteria: Ambry Variant Classification Scheme 2023. Collection method: clinical testing. Allele origin: germline.
Comment: The p.N1005D variant (also known as c.3013A>G), located in coding exon 19 of the ATM gene, results from an A to G substitution at nucleotide position 3013. The asparagine at codon 1005 is replaced by aspartic acid, an amino acid with highly similar properties. This amino acid position is conserved. In addition, this alteration is predicted to be tolerated by in silico analysis. Based on the available evidence, the clinical significance of this variant remains unclear.

Labcorp Genetics (formerly Invitae), Labcorp
Classification: Uncertain significance for Ataxia-telangiectasia syndrome. Last evaluated: 2024-09-16. Review status: criteria provided, single submitter. Criteria: Invitae Variant Classification Sherloc (09022015). Collection method: clinical testing. Allele origin: germline.
Comment: This sequence change replaces asparagine, which is neutral and polar, with aspartic acid, which is acidic and polar, at codon 1005 of the ATM protein (p.Asn1005Asp). This variant is not present in population databases (gnomAD no frequency). This variant has not been reported in the literature in individuals affected with ATM-related conditions. An algorithm developed to predict the effect of missense changes on protein structure and function outputs the following: PolyPhen-2: "Benign". The aspartic acid amino acid residue is found in multiple mammalian species, which suggests that this missense change does not adversely affect protein function. In summary, the available evidence is currently insufficient to determine the role of this variant in disease. Therefore, it has been classified as a Variant of Uncertain Significance.